The following is an entry in ClinVar:

NM_198252.3(GSN):c.241A>G (p.Thr81Ala)

Gene: GSN (gelsolin; plus strand). Cytogenetic location: 9q33.2.
Variant type: single nucleotide variant.
Coding change: c.241A>G on transcript NM_198252.3 (MANE Select); coding-DNA position 241, A replaced by G.
Protein change: p.Thr81Ala; replaces threonine 81 with alanine.
Molecular consequence: missense variant. On other transcripts: 5 prime UTR variant (1).
Genome position (GRCh38, 1-based): chr9:121,302,955, A>G. VCF-style: chr9-121302955-A-G. GRCh37 (hg19) VCF-style: chr9-124065233-A-G.
Other names: c.394A>G (NM_000177.4); c.394A>G, p.Thr132Ala (NM_000177.5); c.241A>G, p.Thr81Ala (NM_001127662.2, NM_001127664.2, NM_001127665.2 and 10 more transcripts); c.349A>G, p.Thr117Ala (NM_001127663.2); c.274A>G, p.Thr92Ala (NM_001127666.2, NM_001127667.2, NM_001353063.2 and 13 more transcripts); c.292A>G, p.Thr98Ala (NM_001258029.2); c.265A>G, p.Thr89Ala (NM_001258030.2); c.313A>G, p.Thr105Ala (NM_001353076.2); and 1 more; short protein forms T105A, T117A, T132A, T81A, T89A, T92A, T98A.
Identifiers: ClinVar variation 2427870 (VCV002427870.8), dbSNP rs145441439, ClinGen allele CA5220814.

ClinVar aggregate classification (germline): Uncertain significance. Review status: criteria provided, multiple submitters, no conflicts (2 of 4 stars). 3 submissions from 3 submitters: Uncertain significance (3). Last evaluated 2026-09-24.

Conditions:
GSN-related disorder. Also called: GSN-related condition.
Finnish type amyloidosis. Also called: AMYLOIDOSIS, HEREDITARY SYSTEMIC 4, FINNISH TYPE; Lattice corneal dystrophy associated with familial systemic amyloidosis; Meretoja's syndrome; Lattice dystrophy of the cornea with hereditary generalized amyloidosis; AMYLOID CRANIAL NEUROPATHY WITH LATTICE CORNEAL DYSTROPHY; AMYLOIDOSIS DUE TO MUTANT GELSOLIN. Identifiers: Orphanet 85448, MedGen C1622345, MONDO:0007097, OMIM 105120.

Allele frequency attached by ClinVar (database versions not stated): ExAC 0.00001; gnomAD 0.00001; gnomAD exomes 0.00002; TOPMed 0.00003.
gnomAD v4.1: 33 of 1,613,870 alleles (0.002%); highest among the groups gnomAD compares: Non-Finnish European, 0.0028%; 1 homozygote.

Submissions (3):

PreventionGenetics, part of Exact Sciences
Classification: Uncertain significance for GSN-related condition. Last evaluated: 2026-09-24. Review status: criteria provided, single submitter. Criteria: ACMG Guidelines, 2015. Collection method: clinical testing. Allele origin: germline.
Comment: The GSN c.394A>G variant is predicted to result in the amino acid substitution p.Thr132Ala. To our knowledge, this variant has not been reported in the literature. This variant is reported in 0.0035% of alleles in individuals of European (Non-Finnish) descent in gnomAD. At this time, the clinical significance of this variant is uncertain due to the absence of conclusive functional and genetic evidence.

Labcorp Genetics (formerly Invitae), Labcorp
Classification: Uncertain significance. Last evaluated: 2025-06-11. Review status: criteria provided, single submitter. Criteria: Invitae Variant Classification Sherloc (09022015). Collection method: clinical testing. Allele origin: germline.
Comment: This sequence change replaces threonine, which is neutral and polar, with alanine, which is neutral and non-polar, at codon 132 of the GSN protein (p.Thr132Ala). This variant is present in population databases (rs145441439, gnomAD 0.004%). This variant has not been reported in the literature in individuals affected with GSN-related conditions. ClinVar contains an entry for this variant (Variation ID: 2427870). An algorithm developed to predict the effect of missense changes on protein structure and function (PolyPhen-2) suggests that this variant is likely to be tolerated. In summary, the available evidence is currently insufficient to determine the role of this variant in disease. Therefore, it has been classified as a Variant of Uncertain Significance.

Fulgent Genetics
Classification: Uncertain significance for Finnish type amyloidosis. Last evaluated: 2024-03-07. Review status: criteria provided, single submitter. Criteria: ACMG Guidelines, 2015. Collection method: clinical testing. Allele origin: germline.